The following is an entry in ClinVar:

ClinVar aggregate classification (germline): Uncertain significance (1 of 4 stars; one submission).

Conditions:
Frontotemporal dementia and/or amyotrophic lateral sclerosis 4. Also called: FTDALS4. Identifiers: Orphanet 275872, MedGen C4225325, MONDO:0014641, OMIM 616439.

gnomAD v4.1: 1 of 1,611,990 alleles (0.000062%); no homozygotes.

Submission:

Labcorp Genetics (formerly Invitae), Labcorp
Classification: Uncertain significance for Frontotemporal dementia and/or amyotrophic lateral sclerosis 4. Last evaluated: 2024-12-23. Review status: criteria provided, single submitter. Criteria: Invitae Variant Classification Sherloc (09022015). Collection method: clinical testing. Allele origin: germline.
Comment: This sequence change replaces glycine, which is neutral and non-polar, with valine, which is neutral and non-polar, at codon 244 of the TBK1 protein (p.Gly244Val). This variant is not present in population databases (gnomAD no frequency). This missense change has been observed in individual(s) with clinical features of TBK1-related conditions (PMID: 28008748). ClinVar contains an entry for this variant (Variation ID: 2735905). Invitae Evidence Modeling of protein sequence and biophysical properties (such as structural, functional, and spatial information, amino acid conservation, physicochemical variation, residue mobility, and thermodynamic stability) indicates that this missense variant is not expected to disrupt TBK1 protein function with a negative predictive value of 95%. In summary, the available evidence is currently insufficient to determine the role of this variant in disease. Therefore, it has been classified as a Variant of Uncertain Significance.

Literature cited by the submitters: PubMed 28008748.

NM_013254.4(TBK1):c.731G>T (p.Gly244Val)

Gene: TBK1 (TANK binding kinase 1; plus strand). Cytogenetic location: 12q14.2.
Variant type: single nucleotide variant.
Coding change: c.731G>T on transcript NM_013254.4 (MANE Select); coding-DNA position 731, G replaced by T.
Protein change: p.Gly244Val; replaces glycine 244 with valine.
Molecular consequence: missense variant.
Genome position (GRCh38, 1-based): chr12:64,480,041, G>T. VCF-style: chr12-64480041-G-T. GRCh37 (hg19) VCF-style: chr12-64873821-G-T.
Other names: short protein forms G244V.
Identifiers: ClinVar variation 2735905 (VCV002735905.3), dbSNP rs1311864742, ClinGen allele CA385598317.